The following is an entry in ClinVar:

NM_006939.4(SOS2):c.2129A>G (p.Glu710Gly)

Gene: SOS2 (SOS Ras/Rho guanine nucleotide exchange factor 2; minus strand). Cytogenetic location: 14q21.3.
Variant type: single nucleotide variant.
Coding change: c.2129A>G on transcript NM_006939.4 (MANE Select); coding-DNA position 2129, A replaced by G.
Protein change: p.Glu710Gly; replaces glutamic acid 710 with glycine.
Molecular consequence: missense variant.
Genome position (GRCh38, 1-based): chr14:50,153,102, T>C on the plus strand (A>G on the coding strand, the complement: SOS2 is on the minus strand). VCF-style: chr14-50153102-T-C. GRCh37 (hg19) VCF-style: chr14-50619820-T-C.
Other names: c.2030A>G, p.Glu677Gly (NM_001411020.1); short protein forms E677G, E710G.
Identifiers: ClinVar variation 3352121 (VCV003352121.3).
Genomic context (GRCh38, chr14:50,153,102, plus strand): 5'-GATTCAATCAAACCTTTATATAATATACCTCTTACACTTGAAATGAAGGATTCTAGTCTT[T>C]CAAGCAATTCCAAGTCTCTTTCAAAGTCATAAAAATGATGTTCAACCCAATGCCGAAATA-3'
Protein context (NP_008870.2, residues 700-720): YDFERDLELL[Glu710Gly]RLESFISSVR

ClinVar aggregate classification (germline): Uncertain significance. Review status: criteria provided, single submitter (1 of 4 stars). 2 submissions from 2 submitters: Uncertain significance (1). 1 of the submissions does not count toward it. Last evaluated 2025-10-13.

Conditions:
SOS2-related disorder. Also called: SOS2-related condition.
Noonan syndrome 9 (NS9). Identifiers: Orphanet 648, MedGen C4225282, MONDO:0014691, OMIM 616559.

gnomAD v4.1: 2 of 1,599,008 alleles (0.00013%); highest among the groups gnomAD compares: Non-Finnish European, 0.000086%; no homozygotes.

Submissions (2):

Labcorp Genetics (formerly Invitae), Labcorp
Classification: Uncertain significance for Noonan syndrome 9. Last evaluated: 2025-10-13. Review status: criteria provided, single submitter. Criteria: Invitae Variant Classification Sherloc (09022015). Collection method: clinical testing. Allele origin: germline.
Comment: This sequence change replaces glutamic acid, which is acidic and polar, with glycine, which is neutral and non-polar, at codon 710 of the SOS2 protein (p.Glu710Gly). This variant is not present in population databases (gnomAD no frequency). This variant has not been reported in the literature in individuals affected with SOS2-related conditions. ClinVar contains an entry for this variant (Variation ID: 3352121). Invitae Evidence Modeling of protein sequence and biophysical properties (such as structural, functional, and spatial information, amino acid conservation, physicochemical variation, residue mobility, and thermodynamic stability) indicates that this missense variant is not expected to disrupt SOS2 protein function with a negative predictive value of 95%. In summary, the available evidence is currently insufficient to determine the role of this variant in disease. Therefore, it has been classified as a Variant of Uncertain Significance.

PreventionGenetics, part of Exact Sciences
Classification: Uncertain significance for SOS2-related condition. Last evaluated: 2024-09-24. Review status: no assertion criteria provided. Collection method: clinical testing. Allele origin: germline. Not counted in ClinVar's aggregate classification.
Comment: The SOS2 c.2129A>G variant is predicted to result in the amino acid substitution p.Glu710Gly. To our knowledge, this variant has not been reported in the literature or in a large population database, indicating this variant is rare. At this time, the clinical significance of this variant is uncertain due to the absence of conclusive functional and genetic evidence.